The following is an entry in ClinVar:

NM_001198.4(PRDM1):c.2233G>A (p.Val745Met)

Gene: PRDM1 (PR/SET domain 1; plus strand). Cytogenetic location: 6q21.
Variant type: single nucleotide variant.
Coding change: c.2233G>A on transcript NM_001198.4 (MANE Select); coding-DNA position 2233, G replaced by A.
Protein change: p.Val745Met; replaces valine 745 with methionine.
Molecular consequence: missense variant.
Genome position (GRCh38, 1-based): chr6:106,107,241, G>A. VCF-style: chr6-106107241-G-A. GRCh37 (hg19) VCF-style: chr6-106555116-G-A.
Other names: c.1831G>A, p.Val611Met (NM_182907.3); short protein forms V745M, V611M.
Identifiers: ClinVar variation 135090 (VCV000135090.1), dbSNP rs139718143, ClinGen allele CA161646.

ClinVar aggregate classification (germline): not provided (0 of 4 stars; one submission).

Allele frequency attached by ClinVar (database versions not stated): gnomAD 0.00006 and 0.00008; gnomAD exomes 0.00008; ExAC 0.00011; TOPMed 0.00012; ESP Exome Variant Server 0.00015.
gnomAD v4.1: 125 of 1,614,098 alleles (0.0077%); highest among the groups gnomAD compares: Middle Eastern, 0.066%; no homozygotes.

Submission:

ITMI
No classification provided. Condition: AllHighlyPenetrant. Last evaluated: 2013-09-19. Review status: no classification provided. Collection method: reference population. Allele origin: germline.
Comment: Please see associated publication for description of ethnicities

Literature cited by the submitters: PubMed 24728327.